The following is an entry in ClinVar:

ClinVar aggregate classification (germline): Likely benign (1 of 4 stars; one submission).

gnomAD v4.1: 8,199 of 1,587,366 alleles (0.52%); highest among the groups gnomAD compares: South Asian, 0.96%; 35 homozygotes.

Submission:

CeGaT Center for Human Genetics Tuebingen
Classification: Likely benign. Last evaluated: 2025-10-01. Review status: criteria provided, single submitter. Criteria: CeGaT Center For Human Genetics Tuebingen Variant Classification Criteria Version 2. Collection method: clinical testing. Allele origin: germline. Affected: yes. Observed: 1 variant allele.
Comment: ZNF844: BP4, BS2

NM_001136501.3(ZNF844):c.1066A>G (p.Lys356Glu)

Gene: ZNF844 (zinc finger protein 844; plus strand). Cytogenetic location: 19p13.2.
Variant type: single nucleotide variant.
Coding change: c.1066A>G on transcript NM_001136501.3 (MANE Select); coding-DNA position 1066, A replaced by G.
Protein change: p.Lys356Glu; replaces lysine 356 with glutamic acid.
Molecular consequence: missense variant. On other transcripts: non-coding transcript variant (1).
Genome position (GRCh38, 1-based): chr19:12,076,186, A>G. VCF-style: chr19-12076186-A-G. GRCh37 (hg19) VCF-style: chr19-12187001-A-G.
Other names: short protein forms K356E.
Identifiers: ClinVar variation 4533438 (VCV004533438.6).
Genomic context (GRCh38, chr19:12,076,186, plus strand): 5'-CCCTGTGAATGTAAACAATGTGGGAAAGCATTATCTTATCTTAACTTTCAAAGACACATG[A>G]AAATGCACACTAGAATGAGACCTTATAAATGTAAGACTGTGGAAAAGCCTTTGATTCTCC-3'
Protein context (NP_001129973.1, residues 346-366): LSYLNFQRHM[Lys356Glu]MHTRMRPYKC